The following is an entry in ClinVar:

ClinVar aggregate classification (germline): Uncertain significance (1 of 4 stars; one submission).

Submission:

GeneDx
Classification: Uncertain significance. Last evaluated: 2023-06-07. Review status: criteria provided, single submitter. Criteria: GeneDx Variant Classification Process June 2021. Collection method: clinical testing. Allele origin: germline. Affected: yes.
Comment: Not observed at significant frequency in large population cohorts (gnomAD); In silico analysis supports that this missense variant does not alter protein structure/function; Has not been previously published as pathogenic or benign to our knowledge

NM_173495.3(PTCHD1):c.2266T>C (p.Cys756Arg)

Gene: PTCHD1 (patched domain containing 1; plus strand). Cytogenetic location: Xp22.11.
Variant type: single nucleotide variant.
Coding change: c.2266T>C on transcript NM_173495.3 (MANE Select); coding-DNA position 2266, T replaced by C.
Protein change: p.Cys756Arg; replaces cysteine 756 with arginine.
Molecular consequence: missense variant.
Genome position (GRCh38, 1-based): chrX:23,393,784, T>C. VCF-style: chrX-23393784-T-C. GRCh37 (hg19) VCF-style: chrX-23411901-T-C.
Other names: short protein forms C756R.
Identifiers: ClinVar variation 2504928 (VCV002504928.1), dbSNP rs1922899410, ClinGen allele CA412587800.